The following is an entry in ClinVar:

ClinVar aggregate classification (germline): Uncertain significance (1 of 4 stars; one submission).

Conditions:
Fanconi anemia complementation group Q. Identifiers: Orphanet 84, MedGen C3808988, MONDO:0014108, OMIM 615272.
Xeroderma pigmentosum, group F (XPF). Also called: XERODERMA PIGMENTOSUM, COMPLEMENTATION GROUP F; XERODERMA PIGMENTOSUM VI; XP, GROUP F; ERCC4-Related Xeroderma Pigmentosum; XERODERMA PIGMENTOSUM, TYPE F; Xeroderma pigmentosum, type 6. Identifiers: MedGen C0268140, MONDO:0010215, OMIM 278760.
Cockayne syndrome. Identifiers: Orphanet 191, MedGen C0009207, MONDO:0016006.

Submission:

Labcorp Genetics (formerly Invitae), Labcorp
Classification: Uncertain significance for Fanconi anemia complementation group Q; Xeroderma pigmentosum, group F; Cockayne syndrome. Last evaluated: 2020-09-17. Review status: criteria provided, single submitter. Criteria: Invitae Variant Classification Sherloc (09022015). Collection method: clinical testing. Allele origin: germline.
Comment: In summary, the available evidence is currently insufficient to determine the role of this variant in disease. Therefore, it has been classified as a Variant of Uncertain Significance. Algorithms developed to predict the effect of sequence changes on RNA splicing suggest that this variant may create or strengthen a splice site, but this prediction has not been confirmed by published transcriptional studies. Algorithms developed to predict the effect of missense changes on protein structure and function (SIFT, PolyPhen-2, Align-GVGD) all suggest that this variant is likely to be tolerated, but these predictions have not been confirmed by published functional studies and their clinical significance is uncertain. This variant has not been reported in the literature in individuals with ERCC4-related conditions. This variant is not present in population databases (ExAC no frequency). This sequence change replaces lysine with glutamic acid at codon 238 of the ERCC4 protein (p.Lys238Glu). The lysine residue is moderately conserved and there is a small physicochemical difference between lysine and glutamic acid.

NM_005236.3(ERCC4):c.712A>G (p.Lys238Glu)

Gene: ERCC4 (ERCC excision repair 4, endonuclease catalytic subunit; plus strand). Cytogenetic location: 16p13.12.
Variant type: single nucleotide variant.
Coding change: c.712A>G on transcript NM_005236.3 (MANE Select); coding-DNA position 712, A replaced by G.
Protein change: p.Lys238Glu; replaces lysine 238 with glutamic acid.
Molecular consequence: missense variant.
Genome position (GRCh38, 1-based): chr16:13,928,155, A>G. VCF-style: chr16-13928155-A-G. GRCh37 (hg19) VCF-style: chr16-14022012-A-G.
Other names: short protein forms K238E.
Identifiers: ClinVar variation 1041656 (VCV001041656.8), dbSNP rs2032105702, ClinGen allele CA394802803.